The following is an entry in ClinVar:

ClinVar aggregate classification (germline): Uncertain significance. Review status: criteria provided, multiple submitters, no conflicts (2 of 4 stars). 3 submissions from 3 submitters: Uncertain significance (3). Last evaluated 2022-12-14.

Conditions:
Inborn genetic diseases. Identifiers: MedGen C0950123, MeSH D030342.

Allele frequency attached by ClinVar (database versions not stated): gnomAD 0.00002 and 0.00004; ExAC 0.00008; ESP Exome Variant Server 0.00008; TOPMed 0.00009.

Submissions (3):

Ambry Genetics
Classification: Uncertain significance for Inborn genetic diseases. Last evaluated: 2022-12-14. Review status: criteria provided, single submitter. Criteria: Ambry Variant Classification Scheme 2023. Collection method: clinical testing. Allele origin: germline.

Labcorp Genetics (formerly Invitae), Labcorp
Classification: Uncertain significance. Last evaluated: 2021-08-20. Review status: criteria provided, single submitter. Criteria: Invitae Variant Classification Sherloc (09022015). Collection method: clinical testing. Allele origin: germline.
Comment: This sequence change replaces arginine with histidine at codon 312 of the CUL7 protein (p.Arg312His). The arginine residue is moderately conserved and there is a small physicochemical difference between arginine and histidine. This variant is present in population databases (rs201422720, ExAC 0.04%). This variant has not been reported in the literature in individuals affected with CUL7-related conditions. ClinVar contains an entry for this variant (Variation ID: 197298). Algorithms developed to predict the effect of missense changes on protein structure and function (SIFT, PolyPhen-2, Align-GVGD) all suggest that this variant is likely to be tolerated. In summary, the available evidence is currently insufficient to determine the role of this variant in disease. Therefore, it has been classified as a Variant of Uncertain Significance.

Eurofins Ntd Llc (ga)
Classification: Uncertain significance. Last evaluated: 2015-04-16. Review status: criteria provided, single submitter. Criteria: EGL Classification Definitions 2015. Collection method: clinical testing. Allele origin: germline. Observed: 1 variant allele, 1 heterozygote.

NM_014780.5(CUL7):c.935G>A (p.Arg312His)

Gene: CUL7 (cullin 7; minus strand). Cytogenetic location: 6p21.1.
Variant type: single nucleotide variant.
Coding change: c.935G>A on transcript NM_014780.5 (MANE Select); coding-DNA position 935, G replaced by A.
Protein change: p.Arg312His; replaces arginine 312 with histidine.
Molecular consequence: missense variant.
Genome position (GRCh38, 1-based): chr6:43,051,266, C>T on the plus strand (G>A on the coding strand, the complement: CUL7 is on the minus strand). VCF-style: chr6-43051266-C-T. GRCh37 (hg19) VCF-style: chr6-43019004-C-T.
Other names: c.1031G>A, p.Arg344His (NM_001168370.2, NM_001374872.1); c.935G>A, p.Arg312His (NM_001374873.1, NM_001374874.1); c.935G>A (NM_014780.4); short protein forms R312H, R344H.
Identifiers: ClinVar variation 197298 (VCV000197298.13), dbSNP rs201422720, ClinGen allele CA245344.
Genomic context (GRCh38, chr6:43,051,266, plus strand): 5'-TGGAAGATGGAACCGGGGGACCGTGCTGAGCTCCTTGGTCTGTCTGAGGCCTGGTCCCAG[C>T]GCATGGCTTGCACCAGCTCCGAGATCAGGGTGCCCATGGCCATACTGAACTCCAGCTCCA-3'
Protein context (NP_055595.2, residues 302-322): TLISELVQAM[Arg312His]WDQASDRPRS